The following is an entry in ClinVar:

ClinVar aggregate classification (germline): Conflicting classifications of pathogenicity. Review status: criteria provided, conflicting classifications (1 of 4 stars). 8 submissions from 7 submitters: Uncertain significance (5); Likely benign (1). 2 of the submissions do not count toward it. Last evaluated 2026-02-04.

Conditions:
Mucopolysaccharidosis type 1. Also called: IDUA deficiency; MPS I; Mucopolysaccharidosis Type I. Identifiers: Orphanet 579, MedGen C0023786, MONDO:0001586.
IDUA-related disorder. Also called: IDUA-related condition.
Mucopolysaccharidosis, MPS-I-S. Also called: MUCOPOLYSACCHARIDOSIS TYPE IS; Scheie Syndrome; MPS V; MUCOPOLYSACCHARIDOSIS TYPE V. Identifiers: Orphanet 93474, MedGen C0026708, MONDO:0011760, OMIM 607016.

Allele frequency attached by ClinVar (database versions not stated): gnomAD exomes 0.00020; 1000 Genomes Project 0.00040; 1000 Genomes Project 30x 0.00047; gnomAD 0.00076 and 0.00080; ESP Exome Variant Server 0.00077; TOPMed 0.00091; ExAC 0.00040.
gnomAD v4.1: 239 of 1,604,114 alleles (0.015%); highest among the groups gnomAD compares: African/African-American, 0.25%; no homozygotes.

Submissions (8):

Labcorp Genetics (formerly Invitae), Labcorp
Classification: Likely benign for Mucopolysaccharidosis type 1. Last evaluated: 2026-02-04. Review status: criteria provided, single submitter. Criteria: Invitae Variant Classification Sherloc (09022015). Collection method: clinical testing. Allele origin: germline.

Mayo Clinic Laboratories, Mayo Clinic
Classification: Uncertain significance. Last evaluated: 2025-10-20. Review status: criteria provided, single submitter. Criteria: ACMG Guidelines, 2015. Collection method: clinical testing. Allele origin: germline. Observed: 3 variant alleles.

Dasa
Classification: Uncertain significance. Last evaluated: 2025-08-10. Review status: criteria provided, single submitter. Criteria: DASA Assertion Criteria. Collection method: clinical testing. Allele origin: germline.
Comment: NM_000203.5(IDUA):c.701G>C (p.Ser234Thr) is a missense variant that results in the substitution of serine with threonine. This variant is rare in population databases. The currently available literature and clinical evidence are not sufficient to establish a definitive association between this variant and the reported condition. Therefore, this variant is classified as a variant of uncertain significance.

Revvity Omics, Revvity
Classification: Uncertain significance. Last evaluated: 2025-08-01. Review status: criteria provided, single submitter. Criteria: ACMG Guidelines, 2015. Collection method: clinical testing. Allele origin: germline.

Baylor Genetics
Classification: Uncertain significance for Mucopolysaccharidosis, type I. Last evaluated: 2023-08-25. Review status: criteria provided, single submitter. Criteria: ACMG Guidelines, 2015. Collection method: clinical testing. Allele origin: unknown.

Baylor Genetics
Classification: Uncertain significance for Mucopolysaccharidosis, MPS-I-S. Last evaluated: 2020-12-03. Review status: criteria provided, single submitter. Criteria: ACMG Guidelines, 2015. Collection method: clinical testing. Allele origin: unknown. Affected: yes.
Comment: This variant was determined to be of uncertain significance according to ACMG Guidelines, 2015 [PMID:25741868].

PreventionGenetics, part of Exact Sciences
Classification: Likely benign for IDUA-related condition. Last evaluated: 2024-08-03. Review status: no assertion criteria provided. Collection method: clinical testing. Allele origin: germline. Not counted in ClinVar's aggregate classification.
Comment: This variant is classified as likely benign based on ACMG/AMP sequence variant interpretation guidelines (Richards et al. 2015 PMID: 25741868, with internal and published modifications).

Natera, Inc.
Classification: Uncertain significance for Mucopolysaccharidosis type I. Last evaluated: 2020-06-02. Review status: no assertion criteria provided. Collection method: clinical testing. Allele origin: germline. Not counted in ClinVar's aggregate classification.

Literature cited by the submitters: PubMed 28302345 (cited by Mayo Clinic Laboratories, Mayo Clinic); PubMed 30442156 (cited by Mayo Clinic Laboratories, Mayo Clinic); PubMed 33203019 (cited by Mayo Clinic Laboratories, Mayo Clinic); PubMed 33578874 (cited by Mayo Clinic Laboratories, Mayo Clinic); PubMed 37189891 (cited by Mayo Clinic Laboratories, Mayo Clinic).

NM_000203.5(IDUA):c.701G>C (p.Ser234Thr)

Gene: IDUA (alpha-L-iduronidase; plus strand). Cytogenetic location: 4p16.3.
Variant type: single nucleotide variant.
Coding change: c.701G>C on transcript NM_000203.5 (MANE Select); coding-DNA position 701, G replaced by C.
Protein change: p.Ser234Thr; replaces serine 234 with threonine.
Molecular consequence: missense variant. On other transcripts: non-coding transcript variant (1).
Genome position (GRCh38, 1-based): chr4:1,001,790, G>C. VCF-style: chr4-1001790-G-C. GRCh37 (hg19) VCF-style: chr4-995578-G-C.
Other names: c.305G>C, p.Ser102Thr (NM_001363576.1); short protein forms S234T, S102T.
Identifiers: ClinVar variation 456719 (VCV000456719.28), dbSNP rs201826605, ClinGen allele CA2802058.